The following is an entry in ClinVar:

NM_001083961.2(WDR62):c.1358A>C (p.Asn453Thr)

Gene: WDR62 (WD repeat domain 62; plus strand). Cytogenetic location: 19q13.12.
Variant type: single nucleotide variant.
Coding change: c.1358A>C on transcript NM_001083961.2 (MANE Select); coding-DNA position 1358, A replaced by C.
Protein change: p.Asn453Thr; replaces asparagine 453 with threonine.
Molecular consequence: missense variant.
Genome position (GRCh38, 1-based): chr19:36,081,557, A>C. VCF-style: chr19-36081557-A-C. GRCh37 (hg19) VCF-style: chr19-36572459-A-C.
Other names: c.1358A>C, p.Asn453Thr (NM_173636.5); short protein forms N453T.
Identifiers: ClinVar variation 1502676 (VCV001502676.8), dbSNP rs2145706941, ClinGen allele CA405435601.

ClinVar aggregate classification (germline): Uncertain significance (1 of 4 stars; one submission).

Allele frequency attached by ClinVar (database versions not stated): gnomAD exomes below 0.00001.

Submission:

Labcorp Genetics (formerly Invitae), Labcorp
Classification: Uncertain significance. Last evaluated: 2022-03-01. Review status: criteria provided, single submitter. Criteria: Invitae Variant Classification Sherloc (09022015). Collection method: clinical testing. Allele origin: germline.
Comment: This variant has not been reported in the literature in individuals affected with WDR62-related conditions. Algorithms developed to predict the effect of missense changes on protein structure and function are either unavailable or do not agree on the potential impact of this missense change (SIFT: "Deleterious"; PolyPhen-2: "Possibly Damaging"; Align-GVGD: "Class C0"). In summary, the available evidence is currently insufficient to determine the role of this variant in disease. Therefore, it has been classified as a Variant of Uncertain Significance. This variant is not present in population databases (gnomAD no frequency). This sequence change replaces asparagine, which is neutral and polar, with threonine, which is neutral and polar, at codon 453 of the WDR62 protein (p.Asn453Thr).